The following is an entry in ClinVar:

ClinVar aggregate classification (germline): Uncertain significance (1 of 4 stars; one submission).

Conditions:
Hereditary cancer-predisposing syndrome. Also called: Hereditary neoplastic syndrome; Tumor predisposition; Hereditary Cancer Syndrome; Neoplastic Syndromes, Hereditary. Identifiers: Orphanet 140162, MedGen C0027672, MeSH D009386, MONDO:0015356.

Submission:

Ambry Genetics
Classification: Uncertain significance for Hereditary cancer-predisposing syndrome. Last evaluated: 2023-08-05. Review status: criteria provided, single submitter. Criteria: Ambry Variant Classification Scheme 2023. Collection method: clinical testing. Allele origin: germline.
Comment: The p.K766T variant (also known as c.2297A>C), located in coding exon 14 of the PMS2 gene, results from an A to C substitution at nucleotide position 2297. The lysine at codon 766 is replaced by threonine, an amino acid with similar properties. This amino acid position is well conserved in available vertebrate species. In addition, the in silico prediction for this alteration is inconclusive. Since supporting evidence is limited at this time, the clinical significance of this alteration remains unclear.

NM_000535.7(PMS2):c.2297A>C (p.Lys766Thr)

Gene: PMS2 (PMS1 homolog 2, mismatch repair system component; minus strand). Cytogenetic location: 7p22.1.
Variant type: single nucleotide variant.
Coding change: c.2297A>C on transcript NM_000535.7 (MANE Select); coding-DNA position 2297, A replaced by C.
Protein change: p.Lys766Thr; replaces lysine 766 with threonine.
Molecular consequence: missense variant. On other transcripts: intron variant (2).
Genome position (GRCh38, 1-based): chr7:5,977,736, T>G on the plus strand (A>C on the coding strand, the complement: PMS2 is on the minus strand). VCF-style: chr7-5977736-T-G. GRCh37 (hg19) VCF-style: chr7-6017367-T-G.
Other names: c.1892A>C, p.Lys631Thr (NM_001018040.1, NM_001322003.2, NM_001322004.2 and 12 more transcripts); c.2141A>C, p.Lys714Thr (NM_001322006.2); c.1979A>C, p.Lys660Thr (NM_001322007.2, NM_001322008.2, NM_001406883.1); c.1925A>C, p.Lys642Thr (NM_001322009.2, NM_001406887.1, NM_001406888.1); c.1736A>C, p.Lys579Thr (NM_001322010.2, NM_001406906.1, NM_001406907.1); c.1364A>C, p.Lys455Thr (NM_001322011.2, NM_001322012.2); c.1724A>C, p.Lys575Thr (NM_001322013.2, NM_001406908.1, NM_001406909.1); c.2330A>C, p.Lys777Thr (NM_001322014.2); and 20 more; short protein forms K365T, K509T, K575T, K579T, K663T, K671T, K674T, K766T.
Identifiers: ClinVar variation 2586335 (VCV002586335.2), dbSNP rs2128675560, ClinGen allele CA366736100.